The following is an entry in ClinVar:

ClinVar aggregate classification (germline): Uncertain significance (1 of 4 stars; one submission).

gnomAD v4.1: 13 of 1,614,144 alleles (0.00081%); highest among the groups gnomAD compares: Non-Finnish European, 0.0011%; no homozygotes.

Submission:

Athena Diagnostics
Classification: Uncertain significance. Last evaluated: 2024-07-31. Review status: criteria provided, single submitter. Criteria: Athena Diagnostics Criteria. Collection method: clinical testing. Allele origin: unknown.
Comment: Available data are insufficient to determine the clinical significance of the variant at this time. The frequency of this variant in the general population is uninformative in assessment of its pathogenicity. Computational tools yielded predictions that this variant is unlikely to have an effect on normal RNA splicing.

NM_002739.5(PRKCG):c.1374-10C>T

Gene: PRKCG (protein kinase C gamma; plus strand). Cytogenetic location: 19q13.42.
Variant type: single nucleotide variant.
Coding change: c.1374-10C>T on transcript NM_002739.5 (MANE Select); 10 bases into the intron before coding-DNA position 1374, C replaced by T.
Molecular consequence: intron variant.
Genome position (GRCh38, 1-based): chr19:53,900,409, C>T. VCF-style: chr19-53900409-C-T. GRCh37 (hg19) VCF-style: chr19-54403663-C-T.
Other names: c.1374-10C>T (NM_001316329.2).
Identifiers: ClinVar variation 3571954 (VCV003571954.1).